The following is an entry in ClinVar:

NM_024665.7(TBL1XR1):c.568G>T (p.Asp190Tyr)

Gene: TBL1XR1 (TBL1X/Y related 1; minus strand). Cytogenetic location: 3q26.32.
Variant type: single nucleotide variant.
Coding change: c.568G>T on transcript NM_024665.7 (MANE Select); coding-DNA position 568, G replaced by T.
Protein change: p.Asp190Tyr; replaces aspartic acid 190 with tyrosine.
Molecular consequence: missense variant.
Genome position (GRCh38, 1-based): chr3:177,050,131, C>A on the plus strand (G>T on the coding strand, the complement: TBL1XR1 is on the minus strand). VCF-style: chr3-177050131-C-A. GRCh37 (hg19) VCF-style: chr3-176767919-C-A.
Other names: c.568G>T, p.Asp190Tyr (NM_001321193.3, NM_001321194.3, NM_001374327.1 and 2 more transcripts); c.307G>T, p.Asp103Tyr (NM_001321195.3, NM_001374330.1); short protein forms D103Y, D190Y.
Identifiers: ClinVar variation 3031631 (VCV003031631.2), dbSNP rs2473720747, ClinGen allele CA355552687.
Genomic context (GRCh38, chr3:177,050,131, plus strand): 5'-CTAACTGTGTAGAGCCACTGGTGCTGTTCTCACTAAGATTCCATATTCTTGCTGTTGAGT[C>A]TCCAGACCTATAAAAGTATGCAATATATTTTAGATCCTCATGACATTCTCACGTATCAGA-3'
Protein context (NP_078941.2, residues 180-200): VSDLLASGSG[Asp190Tyr]STARIWNLSE

ClinVar aggregate classification (germline): Likely pathogenic (0 of 4 stars; one submission).

Conditions:
TBL1XR1-related disorder. Also called: TBL1XR1-related condition; TBL1XR1-related disorders. Identifiers: MedGen CN382633, MONDO:1060313.

Submission:

PreventionGenetics, part of Exact Sciences
Classification: Likely pathogenic for TBL1XR1-related condition. Last evaluated: 2023-11-22. Review status: no assertion criteria provided. Collection method: clinical testing. Allele origin: germline.
Comment: The TBL1XR1 c.568G>T variant is predicted to result in the amino acid substitution p.Asp190Tyr. To our knowledge, this variant has not been reported in the literature or in a large population database, indicating this variant is rare. This variant is interpreted as likely pathogenic.